The following is an entry in ClinVar:

ClinVar aggregate classification (germline): Uncertain significance (1 of 4 stars; one submission).

Submission:

Labcorp Genetics (formerly Invitae), Labcorp
Classification: Uncertain significance. Last evaluated: 2024-11-05. Review status: criteria provided, single submitter. Criteria: Invitae Variant Classification Sherloc (09022015). Collection method: clinical testing. Allele origin: germline.
Comment: This sequence change replaces aspartic acid, which is acidic and polar, with asparagine, which is neutral and polar, at codon 612 of the PRDM13 protein (p.Asp612Asn). This variant is not present in population databases (gnomAD no frequency). This variant has not been reported in the literature in individuals affected with PRDM13-related conditions. ClinVar contains an entry for this variant (Variation ID: 1721652). An algorithm developed to predict the effect of missense changes on protein structure and function (PolyPhen-2) suggests that this variant is likely to be disruptive. In summary, the available evidence is currently insufficient to determine the role of this variant in disease. Therefore, it has been classified as a Variant of Uncertain Significance.

NM_021620.4(PRDM13):c.1834G>A (p.Asp612Asn)

Gene: PRDM13 (PR/SET domain 13; plus strand). Cytogenetic location: 6q16.2.
Variant type: single nucleotide variant.
Coding change: c.1834G>A on transcript NM_021620.4 (MANE Select); coding-DNA position 1834, G replaced by A.
Protein change: p.Asp612Asn; replaces aspartic acid 612 with asparagine.
Molecular consequence: missense variant.
Genome position (GRCh38, 1-based): chr6:99,614,469, G>A. VCF-style: chr6-99614469-G-A. GRCh37 (hg19) VCF-style: chr6-100062345-G-A.
Other names: short protein forms D612N.
Identifiers: ClinVar variation 1721652 (VCV001721652.5), dbSNP rs2538547836, ClinGen allele CA365121808.